The following is an entry in ClinVar:

ClinVar aggregate classification (germline): Likely benign. Review status: criteria provided, single submitter (1 of 4 stars). 2 submissions from 2 submitters: Likely benign (1). 1 of the submissions does not count toward it. Last evaluated 2025-04-01.

Conditions:
BAAT-related disorder. Also called: BAAT-related condition.

gnomAD v4.1: 4 of 1,613,886 alleles (0.00025%); highest among the groups gnomAD compares: African/African-American, 0.0013%; no homozygotes.

Submissions (2):

Ambry Genetics
Classification: Likely benign. Last evaluated: 2025-04-01. Review status: criteria provided, single submitter. Criteria: Ambry Variant Classification Scheme 2023. Collection method: clinical testing. Allele origin: germline.

PreventionGenetics, part of Exact Sciences
Classification: Uncertain significance for BAAT-related condition. Last evaluated: 2024-07-10. Review status: no assertion criteria provided. Collection method: clinical testing. Allele origin: germline. Not counted in ClinVar's aggregate classification.
Comment: The BAAT c.329T>C variant is predicted to result in the amino acid substitution p.Leu110Ser. To our knowledge, this variant has not been reported in the literature. This variant is reported in 0.0065% of alleles in individuals of European (Non-Finnish) descent in gnomAD. At this time, the clinical significance of this variant is uncertain due to the absence of conclusive functional and genetic evidence.

NM_001701.4(BAAT):c.329T>C (p.Leu110Ser)

Gene: BAAT (bile acid-CoA:amino acid N-acyltransferase; minus strand). Cytogenetic location: 9q31.1.
Variant type: single nucleotide variant.
Coding change: c.329T>C on transcript NM_001701.4 (MANE Select); coding-DNA position 329, T replaced by C.
Protein change: p.Leu110Ser; replaces leucine 110 with serine.
Molecular consequence: missense variant.
Genome position (GRCh38, 1-based): chr9:101,371,076, A>G on the plus strand (T>C on the coding strand, the complement: BAAT is on the minus strand). VCF-style: chr9-101371076-A-G. GRCh37 (hg19) VCF-style: chr9-104133358-A-G.
Other names: c.329T>C, p.Leu110Ser (NM_001127610.2, NM_001374715.1); short protein forms L110S.
Identifiers: ClinVar variation 3351380 (VCV003351380.2).